The following is an entry in ClinVar:

ClinVar aggregate classification (germline): Conflicting classifications of pathogenicity. Review status: criteria provided, conflicting classifications (1 of 4 stars). 6 submissions from 6 submitters: Uncertain significance (2); Benign (2); Likely benign (1). 1 of the submissions does not count toward it. Last evaluated 2026-01-05.

Conditions:
Brody myopathy. Also called: BRODY DISEASE. Identifiers: Orphanet 53347, MedGen C1832918, MONDO:0010977, OMIM 601003.
ATP2A1-related disorder. Also called: ATP2A1-related condition.

Allele frequency attached by ClinVar (database versions not stated): gnomAD 0.00125; TOPMed 0.00135; ESP Exome Variant Server 0.00139; 1000 Genomes Project 0.00160; 1000 Genomes Project 30x 0.00203.
gnomAD v4.1: 349 of 1,614,172 alleles (0.022%); highest among the groups gnomAD compares: African/African-American, 0.43%; 4 homozygotes.

Submissions (6):

Labcorp Genetics (formerly Invitae), Labcorp
Classification: Benign for Brody myopathy. Last evaluated: 2026-01-05. Review status: criteria provided, single submitter. Criteria: Invitae Variant Classification Sherloc (09022015). Collection method: clinical testing. Allele origin: germline.

Mayo Clinic Laboratories, Mayo Clinic
Classification: Likely benign. Last evaluated: 2025-03-28. Review status: criteria provided, single submitter. Criteria: ACMG Guidelines, 2015. Collection method: clinical testing. Allele origin: germline. Observed: 1 variant allele.
Comment: BS1, BP4, BP7

Blueprint Genetics
Classification: Uncertain significance. Last evaluated: 2024-05-13. Review status: criteria provided, single submitter. Criteria: ACMG Guidelines, 2015. Collection method: clinical testing. Allele origin: germline.

GeneDx
Classification: Uncertain significance. Last evaluated: 2020-06-15. Review status: criteria provided, single submitter. Criteria: GeneDx Variant Classification Process June 2021. Collection method: clinical testing. Allele origin: germline. Affected: yes.
Comment: Has not been previously published as pathogenic or benign to our knowledge; In silico analysis suggests this variant may impact gene splicing. In the absence of RNA/functional studies, the actual effect of this sequence change is unknown.

Athena Diagnostics
Classification: Benign. Last evaluated: 2018-06-22. Review status: criteria provided, single submitter. Criteria: Athena Diagnostics Criteria. Collection method: clinical testing. Allele origin: germline.

PreventionGenetics, part of Exact Sciences
Classification: Likely benign for ATP2A1-related condition. Last evaluated: 2020-11-25. Review status: no assertion criteria provided. Collection method: clinical testing. Allele origin: germline. Not counted in ClinVar's aggregate classification.
Comment: This variant is classified as likely benign based on ACMG/AMP sequence variant interpretation guidelines (Richards et al. 2015 PMID: 25741868, with internal and published modifications).

NM_004320.6(ATP2A1):c.159G>A (p.Val53=)

Genes: ATP2A1 (ATPase sarcoplasmic/endoplasmic reticulum Ca2+ transporting 1; plus strand), ATP2A1-AS1 (ATP2A1 antisense RNA 1; minus strand). Cytogenetic location: 16p11.2.
Variant type: single nucleotide variant.
Coding change: c.159G>A on transcript NM_004320.6 (MANE Select); coding-DNA position 159, G replaced by A.
Protein change: p.Val53=; no amino-acid change (valine 53 retained).
Molecular consequence: synonymous variant. On other transcripts: non-coding transcript variant (2).
Genome position (GRCh38, 1-based): chr16:28,879,523, G>A. VCF-style: chr16-28879523-G-A. GRCh37 (hg19) VCF-style: chr16-28890844-G-A.
Other names: p.Val53=; c.159G>A, p.Val53= (NM_173201.5); c.159G>A (NM_173201.4).
Identifiers: ClinVar variation 585454 (VCV000585454.20), dbSNP rs148925426, ClinGen allele CA7986557.